The following is an entry in ClinVar:

NM_206933.4(USH2A):c.1135C>T (p.Gln379Ter)

Gene: USH2A (usherin; minus strand). Cytogenetic location: 1q41.
Variant type: single nucleotide variant.
Coding change: c.1135C>T on transcript NM_206933.4 (MANE Select); coding-DNA position 1135, C replaced by T.
Protein change: p.Gln379Ter; replaces glutamine 379 with a stop codon.
Molecular consequence: nonsense.
Genome position (GRCh38, 1-based): chr1:216,325,313, G>A on the plus strand (C>T on the coding strand, the complement: USH2A is on the minus strand). VCF-style: chr1-216325313-G-A. GRCh37 (hg19) VCF-style: chr1-216498655-G-A.
Other names: c.1135C>T, p.Gln379Ter (NM_007123.6); short protein forms Q379*.
Identifiers: ClinVar variation 2202984 (VCV002202984.4), dbSNP rs2527439653, ClinGen allele CA344912178.
Genomic context (GRCh38, chr1:216,325,313, plus strand): 5'-TTTGTTGCAATAACCACAGGAAATTAATGTACACCTTATCGTTTCTCATTACCTGATACT[G>A]TCCATTTTCCAAATCAACTGAAATAGTCACTCCTTGATTAAGCTGTGTAATGTTTGTAAA-3'

ClinVar aggregate classification (germline): Pathogenic (1 of 4 stars; one submission).

Submission:

Labcorp Genetics (formerly Invitae), Labcorp
Classification: Pathogenic. Last evaluated: 2022-09-08. Review status: criteria provided, single submitter. Criteria: Invitae Variant Classification Sherloc (09022015). Collection method: clinical testing. Allele origin: germline.
Comment: This premature translational stop signal has been observed in individual(s) with USH2A-related conditions (PMID: 16963483). For these reasons, this variant has been classified as Pathogenic. This variant is not present in population databases (gnomAD no frequency). This sequence change creates a premature translational stop signal (p.Gln379*) in the USH2A gene. It is expected to result in an absent or disrupted protein product. Loss-of-function variants in USH2A are known to be pathogenic (PMID: 10729113, 10909849, 20507924, 25649381).

Literature cited by the submitters: PubMed 16963483; PubMed 10729113; PubMed 10909849; PubMed 20507924; PubMed 25649381.